The following is an entry in ClinVar:

NM_001830.4(CLCN4):c.1281T>G (p.Asp427Glu)

Gene: CLCN4 (Cl-/H+ antiporter 4; plus strand). Cytogenetic location: Xp22.2.
Variant type: single nucleotide variant.
Coding change: c.1281T>G on transcript NM_001830.4 (MANE Select); coding-DNA position 1281, T replaced by G.
Protein change: p.Asp427Glu; replaces aspartic acid 427 with glutamic acid.
Molecular consequence: missense variant.
Genome position (GRCh38, 1-based): chrX:10,208,482, T>G. VCF-style: chrX-10208482-T-G. GRCh37 (hg19) VCF-style: chrX-10176522-T-G.
Other names: c.999T>G, p.Asp333Glu (NM_001256944.2); short protein forms D333E, D427E.
Identifiers: ClinVar variation 1011951 (VCV001011951.8), dbSNP rs755374383, ClinGen allele CA10347196.
Genomic context (GRCh38, chrX:10,208,482, plus strand): 5'-CCTTGAGTCTTCCCAGCTCTGTGACTACATCAATGACCCCAACATGACTCGGCCTGTGGA[T>G]GACATTCCAGACCGGCCGGCTGGTGTCGGTGTTTACACGGCCATGTGGCAGCTGGCCCTG-3'
Protein context (NP_001821.2, residues 417-437): INDPNMTRPV[Asp427Glu]DIPDRPAGVG

ClinVar aggregate classification (germline): Uncertain significance (1 of 4 stars; one submission).

Allele frequency attached by ClinVar (database versions not stated): gnomAD exomes below 0.00001 and 0.00001; ExAC 0.00001; gnomAD 0.00001; TOPMed 0.00001.
gnomAD v4.1: 2 of 1,209,398 alleles (0.00017%); highest among the groups gnomAD compares: Non-Finnish European, 0.00022%; no homozygotes.

Submission:

Labcorp Genetics (formerly Invitae), Labcorp
Classification: Uncertain significance. Last evaluated: 2020-02-06. Review status: criteria provided, single submitter. Criteria: Invitae Variant Classification Sherloc (09022015). Collection method: clinical testing. Allele origin: germline.
Comment: This sequence change replaces aspartic acid with glutamic acid at codon 427 of the CLCN4 protein (p.Asp427Glu). The aspartic acid residue is moderately conserved and there is a small physicochemical difference between aspartic acid and glutamic acid. This variant is present in population databases (rs755374383, ExAC 0.002%). In summary, the available evidence is currently insufficient to determine the role of this variant in disease. Therefore, it has been classified as a Variant of Uncertain Significance. Algorithms developed to predict the effect of missense changes on protein structure and function (SIFT, PolyPhen-2, Align-GVGD) all suggest that this variant is likely to be tolerated, but these predictions have not been confirmed by published functional studies and their clinical significance is uncertain. This variant has not been reported in the literature in individuals with CLCN4-related conditions.